The following is an entry in ClinVar:

ClinVar aggregate classification (germline): Uncertain significance. Review status: criteria provided, multiple submitters, no conflicts (2 of 4 stars). 2 submissions from 2 submitters: Uncertain significance (2). Last evaluated 2024-10-09.

Conditions:
Spastic ataxia 2. Also called: Ataxia, spastic, 2, autosomal recessive. Identifiers: Orphanet 397946, MedGen C1969796, MONDO:0012651, OMIM 611302.
Inborn genetic diseases. Identifiers: MedGen C0950123, MeSH D030342.

Allele frequency attached by ClinVar (database versions not stated): gnomAD 0.00001; gnomAD exomes 0.00003; ExAC 0.00004; TOPMed 0.00005.
gnomAD v4.1: 43 of 1,587,578 alleles (0.0027%); highest among the groups gnomAD compares: Middle Eastern, 0.034%; no homozygotes.

Submissions (2):

Ambry Genetics
Classification: Uncertain significance for Inborn genetic diseases. Last evaluated: 2024-10-09. Review status: criteria provided, single submitter. Criteria: Ambry Variant Classification Scheme 2023. Collection method: clinical testing. Allele origin: germline.

Labcorp Genetics (formerly Invitae), Labcorp
Classification: Uncertain significance for Spastic ataxia 2. Last evaluated: 2022-09-07. Review status: criteria provided, single submitter. Criteria: Invitae Variant Classification Sherloc (09022015). Collection method: clinical testing. Allele origin: germline.
Comment: This sequence change replaces arginine, which is basic and polar, with cysteine, which is neutral and slightly polar, at codon 1077 of the KIF1C protein (p.Arg1077Cys). This variant is present in population databases (rs199800684, gnomAD 0.006%). This variant has not been reported in the literature in individuals affected with KIF1C-related conditions. Algorithms developed to predict the effect of missense changes on protein structure and function are either unavailable or do not agree on the potential impact of this missense change (SIFT: "Deleterious"; PolyPhen-2: "Possibly Damaging"; Align-GVGD: "Class C0"). In summary, the available evidence is currently insufficient to determine the role of this variant in disease. Therefore, it has been classified as a Variant of Uncertain Significance.

NM_006612.6(KIF1C):c.3229C>T (p.Arg1077Cys)

Gene: KIF1C (kinesin family member 1C; plus strand). Cytogenetic location: 17p13.2.
Variant type: single nucleotide variant.
Coding change: c.3229C>T on transcript NM_006612.6 (MANE Select); coding-DNA position 3229, C replaced by T.
Protein change: p.Arg1077Cys; replaces arginine 1077 with cysteine.
Molecular consequence: missense variant.
Genome position (GRCh38, 1-based): chr17:5,024,068, C>T. VCF-style: chr17-5024068-C-T. GRCh37 (hg19) VCF-style: chr17-4927363-C-T.
Other names: c.3229C>T (NM_006612.5); short protein forms R1077C.
Identifiers: ClinVar variation 1989053 (VCV001989053.2), dbSNP rs199800684, ClinGen allele CA8319510.